The following is an entry in ClinVar:

NM_006017.3(PROM1):c.1276A>G (p.Thr426Ala)

Gene: PROM1 (prominin 1; minus strand). Cytogenetic location: 4p15.32.
Variant type: single nucleotide variant.
Coding change: c.1276A>G on transcript NM_006017.3 (MANE Select); coding-DNA position 1276, A replaced by G.
Protein change: p.Thr426Ala; replaces threonine 426 with alanine.
Molecular consequence: missense variant.
Genome position (GRCh38, 1-based): chr4:16,008,974, T>C on the plus strand (A>G on the coding strand, the complement: PROM1 is on the minus strand). VCF-style: chr4-16008974-T-C. GRCh37 (hg19) VCF-style: chr4-16010597-T-C.
Other names: c.1249A>G, p.Thr417Ala (NM_001145847.2, NM_001145848.2, NM_001145851.2 and 4 more transcripts); c.1276A>G, p.Thr426Ala (NM_001145849.2, NM_001145850.2); short protein forms T426A, T417A.
Identifiers: ClinVar variation 1501936 (VCV001501936.7), dbSNP rs760172617, ClinGen allele CA2866824.

ClinVar aggregate classification (germline): Uncertain significance. Review status: criteria provided, multiple submitters, no conflicts (2 of 4 stars). 2 submissions from 2 submitters: Uncertain significance (2). Last evaluated 2022-09-01.

Allele frequency attached by ClinVar (database versions not stated): gnomAD exomes below 0.00001; gnomAD 0.00001 and 0.00002; TOPMed 0.00003.
gnomAD v4.1: 6 of 1,592,120 alleles (0.00038%); highest among the groups gnomAD compares: Admixed American, 0.0033%; no homozygotes.

Submissions (2):

Labcorp Genetics (formerly Invitae), Labcorp
Classification: Uncertain significance. Last evaluated: 2022-09-01. Review status: criteria provided, single submitter. Criteria: Invitae Variant Classification Sherloc (09022015). Collection method: clinical testing. Allele origin: germline.
Comment: This variant is present in population databases (rs760172617, gnomAD 0.004%). In summary, the available evidence is currently insufficient to determine the role of this variant in disease. Therefore, it has been classified as a Variant of Uncertain Significance. Algorithms developed to predict the effect of missense changes on protein structure and function (SIFT, PolyPhen-2, Align-GVGD) all suggest that this variant is likely to be tolerated. ClinVar contains an entry for this variant (Variation ID: 1501936). This variant has not been reported in the literature in individuals affected with PROM1-related conditions. This sequence change replaces threonine, which is neutral and polar, with alanine, which is neutral and non-polar, at codon 426 of the PROM1 protein (p.Thr426Ala).

Blueprint Genetics
Classification: Uncertain significance. Last evaluated: 2022-06-10. Review status: criteria provided, single submitter. Criteria: ACMG Guidelines, 2015. Collection method: clinical testing. Allele origin: germline.